The following is an entry in ClinVar:

NM_000179.3(MSH6):c.1120A>G (p.Lys374Glu)

Gene: MSH6 (mutS homolog 6; plus strand). Cytogenetic location: 2p16.3.
Variant type: single nucleotide variant.
Coding change: c.1120A>G on transcript NM_000179.3 (MANE Select); coding-DNA position 1120, A replaced by G.
Protein change: p.Lys374Glu; replaces lysine 374 with glutamic acid.
Molecular consequence: missense variant.
Genome position (GRCh38, 1-based): chr2:47,799,103, A>G. VCF-style: chr2-47799103-A-G. GRCh37 (hg19) VCF-style: chr2-48026242-A-G.
Other names: c.730A>G, p.Lys244Glu (NM_001281492.2); c.214A>G, p.Lys72Glu (NM_001281493.2, NM_001281494.2); short protein forms K374E, K72E, K244E.
Identifiers: ClinVar variation 571083 (VCV000571083.14), dbSNP rs1558660575, ClinGen allele CA346742017.

ClinVar aggregate classification (germline): Uncertain significance. Review status: criteria provided, multiple submitters, no conflicts (2 of 4 stars). 4 submissions from 4 submitters: Uncertain significance (4). Last evaluated 2024-08-27.

Conditions:
Hereditary nonpolyposis colorectal neoplasms. Identifiers: MedGen C0009405, MeSH D003123.
Lynch syndrome. Identifiers: Orphanet 144, MedGen C4552100, MONDO:0005835. Disease mechanism: loss of function.
Hereditary cancer-predisposing syndrome. Also called: Hereditary neoplastic syndrome; Tumor predisposition; Neoplastic Syndromes, Hereditary; Hereditary Cancer Syndrome. Identifiers: Orphanet 140162, MedGen C0027672, MeSH D009386, MONDO:0015356.
Endometrial carcinoma. Also called: Endometrial carcinoma, somatic. Identifiers: MedGen C0476089, MONDO:0002447, OMIM 608089, HP:0012114.

Submissions (4):

Labcorp Genetics (formerly Invitae), Labcorp
Classification: Uncertain significance for Hereditary nonpolyposis colorectal neoplasms. Last evaluated: 2024-08-27. Review status: criteria provided, single submitter. Criteria: Invitae Variant Classification Sherloc (09022015). Collection method: clinical testing. Allele origin: germline.
Comment: This sequence change replaces lysine, which is basic and polar, with glutamic acid, which is acidic and polar, at codon 374 of the MSH6 protein (p.Lys374Glu). This variant is not present in population databases (gnomAD no frequency). This missense change has been observed in individual(s) with breast cancer (PMID: 35264596). ClinVar contains an entry for this variant (Variation ID: 571083). Invitae Evidence Modeling of protein sequence and biophysical properties (such as structural, functional, and spatial information, amino acid conservation, physicochemical variation, residue mobility, and thermodynamic stability) indicates that this missense variant is not expected to disrupt MSH6 protein function with a negative predictive value of 95%. In summary, the available evidence is currently insufficient to determine the role of this variant in disease. Therefore, it has been classified as a Variant of Uncertain Significance.

Ambry Genetics
Classification: Uncertain significance for Hereditary cancer-predisposing syndrome. Last evaluated: 2024-04-08. Review status: criteria provided, single submitter. Criteria: Ambry Variant Classification Scheme 2023. Collection method: clinical testing. Allele origin: germline.
Comment: The p.K374E variant (also known as c.1120A>G), located in coding exon 4 of the MSH6 gene, results from an A to G substitution at nucleotide position 1120. The lysine at codon 374 is replaced by glutamic acid, an amino acid with similar properties. This alteration was detected in a cohort of 1663 Brazilian breast cancer patients who underwent hereditary multigene panel testing (Guindalini RSC et al. Sci Rep, 2022 Mar;12:4190). This amino acid position is not well conserved in available vertebrate species. In addition, the in silico prediction for this alteration is inconclusive. Based on the available evidence, the clinical significance of this variant remains unclear.

Baylor Genetics
Classification: Uncertain significance for Endometrial carcinoma. Last evaluated: 2024-03-19. Review status: criteria provided, single submitter. Criteria: ACMG Guidelines, 2015. Collection method: clinical testing. Allele origin: unknown.

Mendelics
Classification: Uncertain significance for Lynch syndrome. Last evaluated: 2018-07-02. Review status: criteria provided, single submitter. Criteria: Mendelics Assertion Criteria 2017. Collection method: clinical testing. Allele origin: unknown.

Literature cited by the submitters: PubMed 35264596 (cited by Labcorp Genetics (formerly Invitae), Labcorp and Ambry Genetics).